The following is an entry in ClinVar:

ClinVar aggregate classification (germline): Uncertain significance (1 of 4 stars; one submission).

Allele frequency attached by ClinVar (database versions not stated): ExAC 0.00001.
gnomAD v4.1: 9 of 1,611,818 alleles (0.00056%); highest among the groups gnomAD compares: Non-Finnish European, 0.00068%; no homozygotes.

Submission:

Labcorp Genetics (formerly Invitae), Labcorp
Classification: Uncertain significance. Last evaluated: 2022-07-13. Review status: criteria provided, single submitter. Criteria: Invitae Variant Classification Sherloc (09022015). Collection method: clinical testing. Allele origin: germline.
Comment: Algorithms developed to predict the effect of missense changes on protein structure and function are either unavailable or do not agree on the potential impact of this missense change (SIFT: "Tolerated"; PolyPhen-2: "Probably Damaging"; Align-GVGD: "Class C0"). This sequence change replaces arginine, which is basic and polar, with glutamine, which is neutral and polar, at codon 1190 of the TAOK2 protein (p.Arg1190Gln). The frequency data for this variant in the population databases is considered unreliable, as metrics indicate poor data quality at this position in the gnomAD database. This variant has not been reported in the literature in individuals affected with TAOK2-related conditions. In summary, the available evidence is currently insufficient to determine the role of this variant in disease. Therefore, it has been classified as a Variant of Uncertain Significance.

NM_016151.4(TAOK2):c.3569G>A (p.Arg1190Gln)

Gene: TAOK2 (TAO kinase 2; plus strand). Cytogenetic location: 16p11.2.
Variant type: single nucleotide variant.
Coding change: c.3569G>A on transcript NM_016151.4 (MANE Select); coding-DNA position 3569, G replaced by A.
Protein change: p.Arg1190Gln; replaces arginine 1190 with glutamine.
Molecular consequence: missense variant. On other transcripts: intron variant (1).
Genome position (GRCh38, 1-based): chr16:29,987,841, G>A. VCF-style: chr16-29987841-G-A. GRCh37 (hg19) VCF-style: chr16-29999162-G-A.
Other names: c.3230G>A, p.Arg1077Gln (NM_001252043.2); c.2232+1337G>A (NM_004783.4); short protein forms R1190Q, R1077Q.
Identifiers: ClinVar variation 1926548 (VCV001926548.5), dbSNP rs778381460, ClinGen allele CA7998597.